The following is an entry in ClinVar:

ClinVar aggregate classification (germline): Uncertain significance (1 of 4 stars; one submission).

Conditions:
Spermatogenic failure 66 (SPGF66). Identifiers: MedGen C5676945, MONDO:0030716, OMIM 619799.

Allele frequency attached by ClinVar (database versions not stated): ExAC 0.00001.
gnomAD v4.1: 1 of 1,612,802 alleles (0.000062%); highest among the groups gnomAD compares: South Asian, 0.0011%; no homozygotes.

Submission:

Foundation for Research in Genetics and Endocrinology, FRIGE's Institute of Human Genetics
Classification: Uncertain significance for Spermatogenic failure 66. Review status: criteria provided, single submitter. Criteria: ACMG Guidelines, 2015. Collection method: clinical testing. Allele origin: germline. Inheritance: Autosomal recessive inheritance. Affected: yes. Observed: 1 heterozygote.
Comment: A heterozygous missense variation in exon 5 of the ZPBP gene that results in the amino acid substitution of cystine for tyrosine at codon 186 was detected. The variant was not observed in 1000 genomes and gnomAD databases. The in silico prediction of the variant is damaging by PolyPhen2, MutationTaster, SIFT, REVEL and CADD. The reference codon is conserved across species. In summary, the variant meets our criteria to be classified as a variant of uncertain significance.

NM_007009.3(ZPBP):c.557A>G (p.Tyr186Cys)

Gene: ZPBP (zona pellucida binding protein; minus strand). Cytogenetic location: 7p12.2.
Variant type: single nucleotide variant.
Coding change: c.557A>G on transcript NM_007009.3 (MANE Select); coding-DNA position 557, A replaced by G.
Protein change: p.Tyr186Cys; replaces tyrosine 186 with cysteine.
Molecular consequence: missense variant.
Genome position (GRCh38, 1-based): chr7:50,031,241, T>C on the plus strand (A>G on the coding strand, the complement: ZPBP is on the minus strand). VCF-style: chr7-50031241-T-C. GRCh37 (hg19) VCF-style: chr7-50070837-T-C.
Other names: p.Tyr186Cys; c.554A>G, p.Tyr185Cys (NM_001159878.2); short protein forms Y185C, Y186C.
Identifiers: ClinVar variation 2573120 (VCV002573120.2), dbSNP rs779275046, ClinGen allele CA4260783.